The following is an entry in ClinVar:

ClinVar aggregate classification (germline): Uncertain significance (1 of 4 stars; one submission).

Conditions:
Dilated cardiomyopathy 1DD (CMD1DD). Identifiers: Orphanet 154, MedGen C2750995, MONDO:0013168, OMIM 613172.

Allele frequency attached by ClinVar (database versions not stated): gnomAD 0.00001; TOPMed 0.00001; gnomAD exomes 0.00002.
gnomAD v4.1: 28 of 1,551,404 alleles (0.0018%); highest among the groups gnomAD compares: Non-Finnish European, 0.0024%; no homozygotes.

Submission:

Labcorp Genetics (formerly Invitae), Labcorp
Classification: Uncertain significance for Dilated cardiomyopathy 1DD. Last evaluated: 2023-10-27. Review status: criteria provided, single submitter. Criteria: Invitae Variant Classification Sherloc (09022015). Collection method: clinical testing. Allele origin: germline.
Comment: This sequence change replaces phenylalanine, which is neutral and non-polar, with leucine, which is neutral and non-polar, at codon 1169 of the RBM20 protein (p.Phe1169Leu). This variant is present in population databases (rs771871604, gnomAD 0.003%). This variant has not been reported in the literature in individuals affected with RBM20-related conditions. ClinVar contains an entry for this variant (Variation ID: 2167352). Advanced modeling of protein sequence and biophysical properties (such as structural, functional, and spatial information, amino acid conservation, physicochemical variation, residue mobility, and thermodynamic stability) performed at Invitae indicates that this missense variant is not expected to disrupt RBM20 protein function with a negative predictive value of 95%. In summary, the available evidence is currently insufficient to determine the role of this variant in disease. Therefore, it has been classified as a Variant of Uncertain Significance.

NM_001134363.3(RBM20):c.3505T>C (p.Phe1169Leu)

Gene: RBM20 (RNA binding motif protein 20; plus strand). Cytogenetic location: 10q25.2.
Variant type: single nucleotide variant.
Coding change: c.3505T>C on transcript NM_001134363.3 (MANE Select); coding-DNA position 3505, T replaced by C.
Protein change: p.Phe1169Leu; replaces phenylalanine 1169 with leucine.
Molecular consequence: missense variant.
Genome position (GRCh38, 1-based): chr10:110,831,114, T>C. VCF-style: chr10-110831114-T-C. GRCh37 (hg19) VCF-style: chr10-112590872-T-C.
Other names: short protein forms F1169L.
Identifiers: ClinVar variation 2167352 (VCV002167352.3), dbSNP rs771871604, ClinGen allele CA5688793.
Genomic context (GRCh38, chr10:110,831,114, plus strand): 5'-TTCCCAGGGGTGGAGTTCGTGGTTCCCAGGACTGGCTTTTATTGCAAGCTGTGTGGGCTG[T>C]TCTACACGAGCGAGGAGACAGCAAAGATGAGCCACTGCCGCAGCGCTGTCCACTACAGGA-3'
Protein context (NP_001127835.2, residues 1159-1179): TGFYCKLCGL[Phe1169Leu]YTSEETAKMS